The following is an entry in ClinVar:

ClinVar aggregate classification (germline): Likely benign. Review status: criteria provided, multiple submitters, no conflicts (2 of 4 stars). 2 submissions from 2 submitters: Likely benign (2). Last evaluated 2025-06-01.

Allele frequency attached by ClinVar (database versions not stated): ExAC 0.00003; gnomAD 0.00003; gnomAD exomes 0.00004.
gnomAD v4.1: 69 of 1,612,704 alleles (0.0043%); highest among the groups gnomAD compares: Middle Eastern, 0.033%; no homozygotes.

Submissions (2):

CeGaT Center for Human Genetics Tuebingen
Classification: Likely benign. Last evaluated: 2025-06-01. Review status: criteria provided, single submitter. Criteria: CeGaT Center For Human Genetics Tuebingen Variant Classification Criteria Version 2. Collection method: clinical testing. Allele origin: germline. Affected: yes. Observed: 2 variant alleles.
Comment: OTOF: BP4, BP7

Labcorp Genetics (formerly Invitae), Labcorp
Classification: Likely benign. Last evaluated: 2024-02-08. Review status: criteria provided, single submitter. Criteria: Invitae Variant Classification Sherloc (09022015). Collection method: clinical testing. Allele origin: germline.

NM_194248.3(OTOF):c.2265C>T (p.Tyr755=)

Genes: OTOF (otoferlin; minus strand), LOC129933334 (ATAC-STARR-seq lymphoblastoid active region 15473; plus strand). Cytogenetic location: 2p23.3.
Variant type: single nucleotide variant.
Coding change: c.2265C>T on transcript NM_194248.3 (MANE Select); coding-DNA position 2265, C replaced by T.
Protein change: p.Tyr755=; no amino-acid change (tyrosine 755 retained).
Molecular consequence: synonymous variant.
Genome position (GRCh38, 1-based): chr2:26,477,699, G>A on the plus strand (C>T on the coding strand, the complement: OTOF is on the minus strand). VCF-style: chr2-26477699-G-A. GRCh37 (hg19) VCF-style: chr2-26700567-G-A.
Other names: c.2265C>T, p.Tyr755= (NM_001287489.2); c.24C>T, p.Tyr8= (NM_004802.4, NM_194323.3); c.195C>T, p.Tyr65= (NM_194322.3).
Identifiers: ClinVar variation 2571066 (VCV002571066.30), dbSNP rs757105998, ClinGen allele CA1563990.